The following is an entry in ClinVar:

ClinVar aggregate classification (germline): Uncertain significance (1 of 4 stars; one submission).

Conditions:
Spastic paraplegia. Identifiers: MedGen C0037772, HP:0001258.

Submission:

Labcorp Genetics (formerly Invitae), Labcorp
Classification: Uncertain significance for Spastic paraplegia. Last evaluated: 2023-11-28. Review status: criteria provided, single submitter. Criteria: Invitae Variant Classification Sherloc (09022015). Collection method: clinical testing. Allele origin: germline.
Comment: This sequence change replaces valine, which is neutral and non-polar, with methionine, which is neutral and non-polar, at codon 550 of the KIF5A protein (p.Val550Met). This variant is not present in population databases (gnomAD no frequency). This variant has not been reported in the literature in individuals affected with KIF5A-related conditions. ClinVar contains an entry for this variant (Variation ID: 1472890). Advanced modeling of protein sequence and biophysical properties (such as structural, functional, and spatial information, amino acid conservation, physicochemical variation, residue mobility, and thermodynamic stability) performed at Invitae indicates that this missense variant is not expected to disrupt KIF5A protein function with a negative predictive value of 95%. In summary, the available evidence is currently insufficient to determine the role of this variant in disease. Therefore, it has been classified as a Variant of Uncertain Significance.

NM_004984.4(KIF5A):c.1648G>A (p.Val550Met)

Gene: KIF5A (kinesin family member 5A; plus strand). Cytogenetic location: 12q13.3.
Variant type: single nucleotide variant.
Coding change: c.1648G>A on transcript NM_004984.4 (MANE Select); coding-DNA position 1648, G replaced by A.
Protein change: p.Val550Met; replaces valine 550 with methionine.
Molecular consequence: missense variant.
Genome position (GRCh38, 1-based): chr12:57,572,658, G>A. VCF-style: chr12-57572658-G-A. GRCh37 (hg19) VCF-style: chr12-57966441-G-A.
Other names: c.1381G>A, p.Val461Met (NM_001354705.2); short protein forms V461M, V550M.
Identifiers: ClinVar variation 1472890 (VCV001472890.6), dbSNP rs2140165608, ClinGen allele CA385507874.